The following is an entry in ClinVar:

NM_007199.3(IRAK3):c.1661T>G (p.Leu554Ter)

Gene: IRAK3 (interleukin 1 receptor associated kinase 3; plus strand). Cytogenetic location: 12q14.3.
Variant type: single nucleotide variant.
Coding change: c.1661T>G on transcript NM_007199.3 (MANE Select); coding-DNA position 1661, T replaced by G.
Protein change: p.Leu554Ter; replaces leucine 554 with a stop codon.
Molecular consequence: nonsense.
Genome position (GRCh38, 1-based): chr12:66,248,041, T>G. VCF-style: chr12-66248041-T-G. GRCh37 (hg19) VCF-style: chr12-66641821-T-G.
Other names: c.1478T>G, p.Leu493Ter (NM_001142523.2); short protein forms L554*, L493*.
Identifiers: ClinVar variation 504009 (VCV000504009.2), dbSNP rs374349371, ClinGen allele CA6672999.

ClinVar aggregate classification (germline): Uncertain significance (1 of 4 stars; one submission).

Allele frequency attached by ClinVar (database versions not stated): gnomAD exomes below 0.00001; TOPMed below 0.00001; ExAC 0.00001; ESP Exome Variant Server 0.00008.
gnomAD v4.1: 1 of 1,582,476 alleles (0.000063%); highest among the groups gnomAD compares: Non-Finnish European, 0.000086%; no homozygotes.

Submission:

GeneDx
Classification: Uncertain significance. Last evaluated: 2018-01-15. Review status: criteria provided, single submitter. Criteria: GeneDx Variant Classification (06012015). Collection method: clinical testing. Allele origin: germline. Affected: yes.
Comment: The L554X variant in the IRAK3 gene has not been reported previously as a pathogenic variant nor as a benign variant, to our knowledge. This variant is predicted to cause loss of normal protein function through protein truncation. The L554X variant is not observed at a significant frequency in large population cohorts (Lek et al., 2016). We interpret L554X as a variant of uncertain significance.